The following is an entry in ClinVar:

NM_024753.5(TTC21B):c.262+4T>C

Gene: TTC21B (tetratricopeptide repeat domain 21B; minus strand). Cytogenetic location: 2q24.3.
Variant type: single nucleotide variant.
Coding change: c.262+4T>C on transcript NM_024753.5 (MANE Select); 4 bases into the intron after coding-DNA position 262, T replaced by C.
Molecular consequence: intron variant.
Genome position (GRCh38, 1-based): chr2:165,949,390, A>G on the plus strand (T>C on the coding strand, the complement: TTC21B is on the minus strand). VCF-style: chr2-165949390-A-G. GRCh37 (hg19) VCF-style: chr2-166805900-A-G.
Other names: c.262+4T>C (NM_024753.4).
Identifiers: ClinVar variation 1965917 (VCV001965917.6), dbSNP rs2468254246, ClinGen allele CA429975073.

ClinVar aggregate classification (germline): Conflicting classifications of pathogenicity. Review status: criteria provided, conflicting classifications (1 of 4 stars). 2 submissions from 2 submitters: Uncertain significance (1); Likely benign (1). Last evaluated 2026-01-26.

Conditions:
TTC21B-related disorder. Also called: TTC21B-related condition; TTC21B-related disorders.
Jeune thoracic dystrophy. Also called: Jeune syndrome; Infantile thoracic dystrophy; Thoracic pelvic phalangeal dystrophy; Jeune's syndrome; Chondroectodermal dysplasia-like syndrome; Short-rib thoracic dysplasia. Identifiers: Orphanet 474, MedGen C0265275, MONDO:0018770.
Nephronophthisis. Also called: Juvenile Nephronophthisis. Identifiers: Orphanet 655, MedGen C0687120, MONDO:0019005, HP:0000090.

Submissions (2):

Labcorp Genetics (formerly Invitae), Labcorp
Classification: Uncertain significance for Jeune thoracic dystrophy; Nephronophthisis. Last evaluated: 2026-01-26. Review status: criteria provided, single submitter. Criteria: Invitae Variant Classification Sherloc (09022015). Collection method: clinical testing. Allele origin: germline.
Comment: This sequence change falls in intron 3 of the TTC21B gene. It does not directly change the encoded amino acid sequence of the TTC21B protein. It affects a nucleotide within the consensus splice site. This variant is not present in population databases (gnomAD no frequency). This variant has not been reported in the literature in individuals affected with TTC21B-related conditions. ClinVar contains an entry for this variant (Variation ID: 1965917). Variants that disrupt the consensus splice site are a relatively common cause of aberrant splicing (PMID: 17576681, 9536098). Algorithms developed to predict the effect of sequence changes on RNA splicing suggest that this variant is not likely to affect RNA splicing. In summary, the available evidence is currently insufficient to determine the role of this variant in disease. Therefore, it has been classified as a Variant of Uncertain Significance.

PreventionGenetics, part of Exact Sciences
Classification: Likely benign for TTC21B-related condition. Last evaluated: 2025-04-28. Review status: criteria provided, single submitter. Criteria: ACMG Guidelines, 2015. Collection method: clinical testing. Allele origin: germline.
Comment: This variant is classified as likely benign based on ACMG/AMP sequence variant interpretation guidelines (Richards et al. 2015 PMID: 25741868, with internal and published modifications).

Literature cited by the submitters: PubMed 17576681 (cited by Labcorp Genetics (formerly Invitae), Labcorp); PubMed 9536098 (cited by Labcorp Genetics (formerly Invitae), Labcorp).